The following is an entry in ClinVar:

NM_001289125.3(IFNAR2):c.688C>T (p.Leu230Phe)

Genes: IFNAR2 (interferon alpha and beta receptor subunit 2; plus strand), IFNAR2-IL10RB (IFNAR2-IL10RB readthrough; plus strand). Cytogenetic location: 21q22.11.
Variant type: single nucleotide variant.
Coding change: c.688C>T on transcript NM_001289125.3 (MANE Select); coding-DNA position 688, C replaced by T.
Protein change: p.Leu230Phe; replaces leucine 230 with phenylalanine.
Molecular consequence: missense variant.
Genome position (GRCh38, 1-based): chr21:33,252,809, C>T. VCF-style: chr21-33252809-C-T. GRCh37 (hg19) VCF-style: chr21-34625114-C-T.
Other names: c.688C>T, p.Leu230Phe (NM_000874.5, NM_001289126.2, NM_001289128.2 and 4 more transcripts); short protein forms L230F.
Identifiers: ClinVar variation 1508775 (VCV001508775.7), dbSNP rs199816606, ClinGen allele CA10005739.
Genomic context (GRCh38, chr21:33,252,809, plus strand): 5'-GTTTATTTAGAGCACAGTGATGAGCAAGCAGTAATAAAGTCTCCCTTAAAATGCACCCTC[C>T]TTCCACCTGGCCAGGAATCAGGTATGTTCATTTTTTTAAATTCATGTTTTGAGTATTCAT-3'
Protein context (NP_001276054.1, residues 220-240): VIKSPLKCTL[Leu230Phe]PPGQESESAE

ClinVar aggregate classification (germline): Uncertain significance (1 of 4 stars; one submission).

Allele frequency attached by ClinVar (database versions not stated): gnomAD exomes below 0.00001 and 0.00001; ExAC 0.00001; gnomAD 0.00001; TOPMed 0.00002; 1000 Genomes Project 30x 0.00016; 1000 Genomes Project 0.00020.

Submission:

Labcorp Genetics (formerly Invitae), Labcorp
Classification: Uncertain significance. Last evaluated: 2024-02-24. Review status: criteria provided, single submitter. Criteria: Invitae Variant Classification Sherloc (09022015). Collection method: clinical testing. Allele origin: germline.
Comment: This sequence change replaces leucine, which is neutral and non-polar, with phenylalanine, which is neutral and non-polar, at codon 230 of the IFNAR2 protein (p.Leu230Phe). This variant is present in population databases (rs199816606, gnomAD 0.007%). This variant has not been reported in the literature in individuals affected with IFNAR2-related conditions. ClinVar contains an entry for this variant (Variation ID: 1508775). Algorithms developed to predict the effect of missense changes on protein structure and function output the following: SIFT: "Not Available"; PolyPhen-2: "Possibly Damaging"; Align-GVGD: "Not Available". The phenylalanine amino acid residue is found in multiple mammalian species, which suggests that this missense change does not adversely affect protein function. In summary, the available evidence is currently insufficient to determine the role of this variant in disease. Therefore, it has been classified as a Variant of Uncertain Significance.